The following is an entry in ClinVar:

NM_032119.4(ADGRV1):c.18764C>G (p.Ser6255Cys)

Gene: ADGRV1 (adhesion G protein-coupled receptor V1; plus strand). Cytogenetic location: 5q14.3.
Variant type: single nucleotide variant.
Coding change: c.18764C>G on transcript NM_032119.4 (MANE Select); coding-DNA position 18764, C replaced by G.
Protein change: p.Ser6255Cys; replaces serine 6255 with cysteine.
Molecular consequence: missense variant. On other transcripts: non-coding transcript variant (1).
Genome position (GRCh38, 1-based): chr5:91,153,360, C>G. VCF-style: chr5-91153360-C-G. GRCh37 (hg19) VCF-style: chr5-90449177-C-G.
Other names: short protein forms S6255C.
Identifiers: ClinVar variation 2098088 (VCV002098088.4), dbSNP rs776016062, ClinGen allele CA360432738.

ClinVar aggregate classification (germline): Uncertain significance (1 of 4 stars; one submission).

gnomAD v4.1: 2 of 1,609,800 alleles (0.00012%); highest among the groups gnomAD compares: Admixed American, 0.0034%; no homozygotes.

Submission:

Labcorp Genetics (formerly Invitae), Labcorp
Classification: Uncertain significance. Last evaluated: 2022-05-11. Review status: criteria provided, single submitter. Criteria: Invitae Variant Classification Sherloc (09022015). Collection method: clinical testing. Allele origin: germline.
Comment: In summary, the available evidence is currently insufficient to determine the role of this variant in disease. Therefore, it has been classified as a Variant of Uncertain Significance. This sequence change replaces serine, which is neutral and polar, with cysteine, which is neutral and slightly polar, at codon 6255 of the ADGRV1 protein (p.Ser6255Cys). This variant is present in population databases (no rsID available, gnomAD 0.1%). This variant has not been reported in the literature in individuals affected with ADGRV1-related conditions. Algorithms developed to predict the effect of missense changes on protein structure and function are either unavailable or do not agree on the potential impact of this missense change (SIFT: "Deleterious"; PolyPhen-2: "Possibly Damaging"; Align-GVGD: "Class C0").